The following is an entry in ClinVar:

NM_152443.3(RDH12):c.407C>T (p.Thr136Ile)

Genes: RDH12 (retinol dehydrogenase 12; plus strand), GPHN (gephyrin; plus strand). Cytogenetic location: 14q24.1.
Variant type: single nucleotide variant.
Coding change: c.407C>T on transcript NM_152443.3 (MANE Select); coding-DNA position 407, C replaced by T.
Protein change: p.Thr136Ile; replaces threonine 136 with isoleucine.
Molecular consequence: missense variant.
Genome position (GRCh38, 1-based): chr14:67,726,114, C>T. VCF-style: chr14-67726114-C-T. GRCh37 (hg19) VCF-style: chr14-68192831-C-T.
Other names: short protein forms T136I.
Identifiers: ClinVar variation 936253 (VCV000936253.13), dbSNP rs1206574200, ClinGen allele CA390150191.

ClinVar aggregate classification (germline): Conflicting classifications of pathogenicity. Review status: criteria provided, conflicting classifications (1 of 4 stars). 4 submissions from 4 submitters: Likely pathogenic (2); Uncertain significance (1). 1 of the submissions does not count toward it. Last evaluated 2025-07-31.

Conditions:
Leber congenital amaurosis (LCA). Also called: Leber's amaurosis. Identifiers: Orphanet 65, MedGen C0339527, MeSH D057130, MONDO:0018998.
Leber congenital amaurosis 13 (LCA13). Identifiers: MedGen C2675186, MONDO:0012990, OMIM 612712.

Allele frequency attached by ClinVar (database versions not stated): gnomAD 0.00001; TOPMed 0.00001.
gnomAD v4.1: 1 of 1,613,948 alleles (0.000062%); highest among the groups gnomAD compares: Non-Finnish European, 0.000085%; no homozygotes.

Submissions (4):

Women's Health and Genetics/Laboratory Corporation of America, LabCorp
Classification: Uncertain significance. Last evaluated: 2025-07-31. Review status: criteria provided, single submitter. Criteria: LabCorp Variant Classification Summary - May 2015. Collection method: clinical testing. Allele origin: germline.
Comment: Variant summary: RDH12 c.407C>T (p.Thr136Ile) results in a non-conservative amino acid change in the encoded protein sequence. Algorithms developed to predict the effect of missense changes on protein structure and function all suggest that this variant is likely to be disruptive. The variant was absent in 251486 control chromosomes. c.407C>T has been observed in a homozygous individual affected with retinal degeneration and in a compound heterozygous individual with clinical symptoms of Leber congenital amaurosis (example: Zampaglione_2020, internal data). These data indicate that the variant may be associated with disease. To our knowledge, no experimental evidence demonstrating an impact on protein function has been reported. The following publication has been ascertained in the context of this evaluation (PMID: 32037395). ClinVar contains an entry for this variant (Variation ID: 936253). Based on the evidence outlined above, the variant was classified as VUS-possibly pathogenic.

Fulgent Genetics
Classification: Likely pathogenic for Leber congenital amaurosis 13. Last evaluated: 2024-05-09. Review status: criteria provided, single submitter. Criteria: ACMG Guidelines, 2015. Collection method: clinical testing. Allele origin: germline.

Labcorp Genetics (formerly Invitae), Labcorp
Classification: Likely pathogenic for Leber congenital amaurosis 13. Last evaluated: 2023-07-13. Review status: criteria provided, single submitter. Criteria: Invitae Variant Classification Sherloc (09022015). Collection method: clinical testing. Allele origin: germline.
Comment: This variant is not present in population databases (gnomAD no frequency). This sequence change replaces threonine, which is neutral and polar, with isoleucine, which is neutral and non-polar, at codon 136 of the RDH12 protein (p.Thr136Ile). This missense change has been observed in individual(s) with autosomal recessive retinal dystrophy (PMID: 32037395; Invitae). In at least one individual the data is consistent with being in trans (on the opposite chromosome) from a pathogenic variant. In summary, the currently available evidence indicates that the variant is pathogenic, but additional data are needed to prove that conclusively. Therefore, this variant has been classified as Likely Pathogenic. This variant disrupts the p.Thr136 amino acid residue in RDH12. Other variant(s) that disrupt this residue have been observed in individuals with RDH12-related conditions (PMID: 35006499), which suggests that this may be a clinically significant amino acid residue. Advanced modeling of protein sequence and biophysical properties (such as structural, functional, and spatial information, amino acid conservation, physicochemical variation, residue mobility, and thermodynamic stability) performed at Invitae indicates that this missense variant is expected to disrupt RDH12 protein function. ClinVar contains an entry for this variant (Variation ID: 936253).

Natera, Inc.
Classification: Uncertain significance for Leber congenital amaurosis. Last evaluated: 2020-05-31. Review status: no assertion criteria provided. Collection method: clinical testing. Allele origin: germline. Not counted in ClinVar's aggregate classification.

Literature cited by the submitters: PubMed 32037395 (cited by Women's Health and Genetics/Laboratory Corporation of America, LabCorp and Labcorp Genetics (formerly Invitae), Labcorp); PubMed 35006499 (cited by Labcorp Genetics (formerly Invitae), Labcorp).